The following is an entry in ClinVar:

ClinVar aggregate classification (germline): Uncertain significance. Review status: criteria provided, multiple submitters, no conflicts (2 of 4 stars). 2 submissions from 2 submitters: Uncertain significance (2). Last evaluated 2025-11-03.

Allele frequency attached by ClinVar (database versions not stated): gnomAD 0.00001; ESP Exome Variant Server 0.00008; ExAC 0.00001; TOPMed 0.00004; gnomAD exomes 0.00001.
gnomAD v4.1: 15 of 1,613,672 alleles (0.00093%); highest among the groups gnomAD compares: East Asian, 0.0022%; no homozygotes.

Submissions (2):

Labcorp Genetics (formerly Invitae), Labcorp
Classification: Uncertain significance. Last evaluated: 2025-11-03. Review status: criteria provided, single submitter. Criteria: Invitae Variant Classification Sherloc (09022015). Collection method: clinical testing. Allele origin: germline.
Comment: This sequence change replaces arginine, which is basic and polar, with glutamine, which is neutral and polar, at codon 697 of the ZCCHC8 protein (p.Arg697Gln). This variant is present in population databases (rs374767090, gnomAD 0.007%). This variant has not been reported in the literature in individuals affected with ZCCHC8-related conditions. ClinVar contains an entry for this variant (Variation ID: 2604930). Invitae Evidence Modeling of protein sequence and biophysical properties (such as structural, functional, and spatial information, amino acid conservation, physicochemical variation, residue mobility, and thermodynamic stability) indicates that this missense variant is expected to disrupt ZCCHC8 protein function with a positive predictive value of 80%. In summary, the available evidence is currently insufficient to determine the role of this variant in disease. Therefore, it has been classified as a Variant of Uncertain Significance.

Ambry Genetics
Classification: Uncertain significance. Last evaluated: 2023-06-21. Review status: criteria provided, single submitter. Criteria: Ambry Variant Classification Scheme 2023. Collection method: clinical testing. Allele origin: germline.

NM_017612.5(ZCCHC8):c.2090G>A (p.Arg697Gln)

Gene: ZCCHC8 (zinc finger CCHC-type containing 8; minus strand). Cytogenetic location: 12q24.31.
Variant type: single nucleotide variant.
Coding change: c.2090G>A on transcript NM_017612.5 (MANE Select); coding-DNA position 2090, G replaced by A.
Protein change: p.Arg697Gln; replaces arginine 697 with glutamine.
Molecular consequence: missense variant.
Genome position (GRCh38, 1-based): chr12:122,473,531, C>T on the plus strand (G>A on the coding strand, the complement: ZCCHC8 is on the minus strand). VCF-style: chr12-122473531-C-T. GRCh37 (hg19) VCF-style: chr12-122958078-C-T.
Other names: c.1859G>A, p.Arg620Gln (NM_001350935.2); c.1793G>A, p.Arg598Gln (NM_001350936.2); c.1376G>A, p.Arg459Gln (NM_001350937.2, NM_001350938.2); short protein forms R459Q, R598Q, R697Q, R620Q.
Identifiers: ClinVar variation 2604930 (VCV002604930.4), dbSNP rs374767090, ClinGen allele CA6846051.
Genomic context (GRCh38, chr12:122,473,531, plus strand): 5'-ATAGCTCTCAGTGCTAAGTCAAGCCATTATTCAGAGGCCTTTTTGTTTTTCTGCTGGTTT[C>T]GGGGTGAGTTCTTTAACAAGCTTCTTATCCTGAGGTACATTCCAGTAGATTCTGCCATAT-3'
Protein context (NP_060082.2, residues 687-707): RIRSLLKNSP[Arg697Gln]NQQKNKKASE